The following is an entry in ClinVar:

NM_004933.3(CDH15):c.555C>G (p.Asp185Glu)

Gene: CDH15 (cadherin 15; plus strand). Cytogenetic location: 16q24.3.
Variant type: single nucleotide variant.
Coding change: c.555C>G on transcript NM_004933.3 (MANE Select); coding-DNA position 555, C replaced by G.
Protein change: p.Asp185Glu; replaces aspartic acid 185 with glutamic acid.
Molecular consequence: missense variant.
Genome position (GRCh38, 1-based): chr16:89,185,225, C>G. VCF-style: chr16-89185225-C-G. GRCh37 (hg19) VCF-style: chr16-89251633-C-G.
Other names: short protein forms D185E.
Identifiers: ClinVar variation 3348241 (VCV003348241.1).

ClinVar aggregate classification (germline): Uncertain significance (0 of 4 stars; one submission).

Conditions:
CDH15-related disorder. Also called: CDH15-related condition.

Submission:

PreventionGenetics, part of Exact Sciences
Classification: Uncertain significance for CDH15-related condition. Last evaluated: 2024-06-20. Review status: no assertion criteria provided. Collection method: clinical testing. Allele origin: germline.
Comment: The CDH15 c.555C>G variant is predicted to result in the amino acid substitution p.Asp185Glu. To our knowledge, this variant has not been reported in the literature or in gnomAD, indicating this variant is rare. At this time, the clinical significance of this variant is uncertain due to the absence of conclusive functional and genetic evidence.